The following is an entry in ClinVar:

NM_001818.5(AKR1C4):c.680+4A>G

Gene: AKR1C4 (aldo-keto reductase family 1 member C4; plus strand). Cytogenetic location: 10p15.1.
Variant type: single nucleotide variant.
Coding change: c.680+4A>G on transcript NM_001818.5 (MANE Select); 4 bases into the intron after coding-DNA position 680, A replaced by G.
Molecular consequence: intron variant.
Genome position (GRCh38, 1-based): chr10:5,212,729, A>G. VCF-style: chr10-5212729-A-G. GRCh37 (hg19) VCF-style: chr10-5254692-A-G.
Identifiers: ClinVar variation 3630870 (VCV003630870.2).
Genomic context (GRCh38, chr10:5,212,729, plus strand): 5'-AAAAGACATTGTTCTGGTTGCCCACAGTGCTCTGGGAACCCAACGACATAAACTATGGTA[A>G]TAAGAGCATCAGGAAGTTTACCTAAAATGCCATTTTGATGAAAAATTTTAGTTATAGCAT-3'

ClinVar aggregate classification (germline): Uncertain significance (1 of 4 stars; one submission).

Submission:

Labcorp Genetics (formerly Invitae), Labcorp
Classification: Uncertain significance. Last evaluated: 2024-11-05. Review status: criteria provided, single submitter. Criteria: Invitae Variant Classification Sherloc (09022015). Collection method: clinical testing. Allele origin: germline.
Comment: This sequence change falls in intron 6 of the AKR1C4 gene. It does not directly change the encoded amino acid sequence of the AKR1C4 protein. It affects a nucleotide within the consensus splice site. This variant is not present in population databases (gnomAD no frequency). This variant has not been reported in the literature in individuals affected with AKR1C4-related conditions. Variants that disrupt the consensus splice site are a relatively common cause of aberrant splicing (PMID: 17576681, 9536098). Algorithms developed to predict the effect of sequence changes on RNA splicing suggest that this variant may disrupt the consensus splice site. In summary, the available evidence is currently insufficient to determine the role of this variant in disease. Therefore, it has been classified as a Variant of Uncertain Significance.

Literature cited by the submitters: PubMed 17576681; PubMed 9536098.